The following is an entry in ClinVar:

ClinVar aggregate classification (germline): Uncertain significance (1 of 4 stars; one submission).

Conditions:
Jeune thoracic dystrophy. Also called: Short-rib thoracic dysplasia; Jeune syndrome; Infantile thoracic dystrophy; Thoracic pelvic phalangeal dystrophy; Jeune's syndrome; Chondroectodermal dysplasia-like syndrome. Identifiers: Orphanet 474, MedGen C0265275, MONDO:0018770.

Submission:

Labcorp Genetics (formerly Invitae), Labcorp
Classification: Uncertain significance for Jeune thoracic dystrophy. Last evaluated: 2025-09-02. Review status: criteria provided, single submitter. Criteria: Invitae Variant Classification Sherloc (09022015). Collection method: clinical testing. Allele origin: germline.
Comment: This sequence change replaces leucine, which is neutral and non-polar, with proline, which is neutral and non-polar, at codon 2748 of the DYNC2H1 protein (p.Leu2748Pro). This variant is not present in population databases (gnomAD no frequency). This variant has not been reported in the literature in individuals affected with DYNC2H1-related conditions. ClinVar contains an entry for this variant (Variation ID: 2806206). Invitae Evidence Modeling of protein sequence and biophysical properties (such as structural, functional, and spatial information, amino acid conservation, physicochemical variation, residue mobility, and thermodynamic stability) indicates that this missense variant is expected to disrupt DYNC2H1 protein function with a positive predictive value of 95%. In summary, the available evidence is currently insufficient to determine the role of this variant in disease. Therefore, it has been classified as a Variant of Uncertain Significance.

NM_001377.3(DYNC2H1):c.8243T>C (p.Leu2748Pro)

Gene: DYNC2H1 (dynein cytoplasmic 2 heavy chain 1; plus strand). Cytogenetic location: 11q22.3.
Variant type: single nucleotide variant.
Coding change: c.8243T>C on transcript NM_001377.3 (MANE Select); coding-DNA position 8243, T replaced by C.
Protein change: p.Leu2748Pro; replaces leucine 2748 with proline.
Molecular consequence: missense variant.
Genome position (GRCh38, 1-based): chr11:103,203,708, T>C. VCF-style: chr11-103203708-T-C. GRCh37 (hg19) VCF-style: chr11-103074437-T-C.
Other names: c.8243T>C, p.Leu2748Pro (NM_001080463.2); short protein forms L2748P.
Identifiers: ClinVar variation 2806206 (VCV002806206.3), dbSNP rs2496371459, ClinGen allele CA382257745.
Genomic context (GRCh38, chr11:103,203,708, plus strand): 5'-AATATTTTTCTGTAGGTGAAGTTCCTGGACTCTATACTCTTGAAGAATTAGAGCCCTTGC[T>C]GTTACCACTTAAGGATCAAGCTTCACAAGATGGTTTTTTTGGACCAGTCTTCAATTACTT-3'
Protein context (NP_001368.2, residues 2738-2758): LYTLEELEPL[Leu2748Pro]LPLKDQASQD